The following is an entry in ClinVar:

ClinVar aggregate classification (germline): Uncertain significance (1 of 4 stars; one submission).

Conditions:
Idiopathic generalized epilepsy. Also called: Generalised epilepsy; EIG. Identifiers: MedGen C0270850, MONDO:0005579, OMIM 600669.
Hyperaldosteronism, familial, type IV (HALD4). Also called: FH IV; ALDOSTERONISM, PRIMARY, AND HYPERTENSION. Identifiers: Orphanet 642671, MedGen C4310756, MONDO:0014875, OMIM 617027.

Submission:

Labcorp Genetics (formerly Invitae), Labcorp
Classification: Uncertain significance for Idiopathic generalized epilepsy; Hyperaldosteronism, familial, type IV. Last evaluated: 2022-06-20. Review status: criteria provided, single submitter. Criteria: Invitae Variant Classification Sherloc (09022015). Collection method: clinical testing. Allele origin: germline.
Comment: In summary, the available evidence is currently insufficient to determine the role of this variant in disease. Therefore, it has been classified as a Variant of Uncertain Significance. Advanced modeling of protein sequence and biophysical properties (such as structural, functional, and spatial information, amino acid conservation, physicochemical variation, residue mobility, and thermodynamic stability) performed at Invitae indicates that this missense variant is not expected to disrupt CACNA1H protein function. This variant has not been reported in the literature in individuals affected with CACNA1H-related conditions. This variant is not present in population databases (gnomAD no frequency). This sequence change replaces proline, which is neutral and non-polar, with leucine, which is neutral and non-polar, at codon 1928 of the CACNA1H protein (p.Pro1928Leu).

NM_021098.3(CACNA1H):c.5783C>T (p.Pro1928Leu)

Gene: CACNA1H (calcium voltage-gated channel subunit alpha1 H; plus strand). Cytogenetic location: 16p13.3.
Variant type: single nucleotide variant.
Coding change: c.5783C>T on transcript NM_021098.3 (MANE Select); coding-DNA position 5783, C replaced by T.
Protein change: p.Pro1928Leu; replaces proline 1928 with leucine.
Molecular consequence: missense variant.
Genome position (GRCh38, 1-based): chr16:1,218,547, C>T. VCF-style: chr16-1218547-C-T. GRCh37 (hg19) VCF-style: chr16-1268547-C-T.
Other names: c.5765C>T, p.Pro1922Leu (NM_001005407.2); short protein forms P1928L, P1922L.
Identifiers: ClinVar variation 2008750 (VCV002008750.4), dbSNP rs754802770, ClinGen allele CA394147882.